The following is an entry in ClinVar:

NM_018723.4(RBFOX1):c.1056C>T (p.Tyr352=)

Genes: RBFOX1 (RNA binding fox-1 homolog 1; plus strand), LOC126862279 (MED14-independent group 3 enhancer GRCh37_chr16:7758954-7760153; plus strand). Cytogenetic location: 16p13.3.
Variant type: single nucleotide variant.
Coding change: c.1056C>T on transcript NM_018723.4 (MANE Select); coding-DNA position 1056, C replaced by T.
Protein change: p.Tyr352=; no amino-acid change (tyrosine 352 retained).
Molecular consequence: synonymous variant. On other transcripts: missense variant (2).
Genome position (GRCh38, 1-based): chr16:7,709,116, C>T. VCF-style: chr16-7709116-C-T. GRCh37 (hg19) VCF-style: chr16-7759118-C-T.
Other names: c.975C>T, p.Tyr325= (NM_001142333.2); c.1056C>T, p.Tyr352= (NM_001142334.2); c.1185C>T, p.Tyr395= (NM_001308117.1); c.1109C>T, p.Thr370Met (NM_001364800.2); c.1119C>T, p.Tyr373= (NM_145891.3, NM_145892.3); c.1172C>T, p.Thr391Met (NM_145893.3); c.1109C>T (NM_001364800.1); c.1119C>T (NM_145891.2); short protein forms T370M, T391M.
Identifiers: ClinVar variation 1113070 (VCV001113070.13), dbSNP rs372365163, ClinGen allele CA7891965.

ClinVar aggregate classification (germline): Likely benign. Review status: criteria provided, multiple submitters, no conflicts (2 of 4 stars). 4 submissions from 4 submitters: Likely benign (3). 1 of the submissions does not count toward it. Last evaluated 2024-11-13.

Conditions:
RBFOX1-related disorder. Also called: RBFOX1-related condition.
Inborn genetic diseases. Identifiers: MedGen C0950123, MeSH D030342.
Idiopathic generalized epilepsy. Also called: EIG; Generalised epilepsy. Identifiers: MedGen C0270850, MONDO:0005579, OMIM 600669.

Allele frequency attached by ClinVar (database versions not stated): gnomAD 0.00001 and 0.00002; gnomAD exomes 0.00003 and 0.00005; TOPMed 0.00004; ExAC 0.00008; ESP Exome Variant Server 0.00008.
gnomAD v4.1: 46 of 1,613,432 alleles (0.0029%); highest among the groups gnomAD compares: Middle Eastern, 0.033%; no homozygotes.

Submissions (4):

Ambry Genetics
Classification: Likely benign for Inborn genetic diseases. Last evaluated: 2024-11-13. Review status: criteria provided, single submitter. Criteria: Ambry Variant Classification Scheme 2023. Collection method: clinical testing. Allele origin: germline.

Labcorp Genetics (formerly Invitae), Labcorp
Classification: Likely benign for Idiopathic generalized epilepsy. Last evaluated: 2023-02-05. Review status: criteria provided, single submitter. Criteria: Invitae Variant Classification Sherloc (09022015). Collection method: clinical testing. Allele origin: germline.

Breakthrough Genomics
Classification: Likely benign. Review status: criteria provided, single submitter. Criteria: ACMG Guidelines, 2015. Collection method: not provided. Allele origin: germline. Inheritance: Unknown mechanism. Affected: yes.

PreventionGenetics, part of Exact Sciences
Classification: Likely benign for RBFOX1-related condition. Last evaluated: 2019-12-12. Review status: no assertion criteria provided. Collection method: clinical testing. Allele origin: germline. Not counted in ClinVar's aggregate classification.
Comment: This variant is classified as likely benign based on ACMG/AMP sequence variant interpretation guidelines (Richards et al. 2015 PMID: 25741868, with internal and published modifications).